The following is an entry in ClinVar:

NM_003873.7(NRP1):c.2521A>G (p.Lys841Glu)

Gene: NRP1 (neuropilin 1; minus strand). Cytogenetic location: 10p11.22.
Variant type: single nucleotide variant.
Coding change: c.2521A>G on transcript NM_003873.7 (MANE Select); coding-DNA position 2521, A replaced by G.
Protein change: p.Lys841Glu; replaces lysine 841 with glutamic acid.
Molecular consequence: missense variant. On other transcripts: non-coding transcript variant (1).
Genome position (GRCh38, 1-based): chr10:33,180,327, T>C on the plus strand (A>G on the coding strand, the complement: NRP1 is on the minus strand). VCF-style: chr10-33180327-T-C. GRCh37 (hg19) VCF-style: chr10-33469255-T-C.
Other names: c.2503A>G, p.Lys835Glu (NM_001244972.2); c.2500A>G, p.Lys834Glu (NM_001244973.2); c.2470A>G, p.Lys824Glu (NM_001330068.2); short protein forms K834E, K835E, K824E, K841E.
Identifiers: ClinVar variation 4998849 (VCV004998849.1).

ClinVar aggregate classification (germline): Uncertain significance (1 of 4 stars; one submission).

Conditions:
NRP1-related disorder. Also called: NRP1-related condition.

gnomAD v4.1: 2 of 1,605,790 alleles (0.00012%); highest among the groups gnomAD compares: South Asian, 0.0011%; no homozygotes.

Submission:

PreventionGenetics, part of Exact Sciences
Classification: Uncertain significance for NRP1-related condition. Last evaluated: 2025-10-20. Review status: criteria provided, single submitter. Criteria: ACMG Guidelines, 2015. Collection method: clinical testing. Allele origin: germline.
Comment: The NRP1 c.2521A>G variant is predicted to result in the amino acid substitution p.Lys841Glu. To our knowledge, this variant has not been reported in the literature or in a large population database (gnomAD), indicating this variant is rare. At this time, the clinical significance of this variant is uncertain due to the absence of conclusive functional and genetic evidence.